The following is an entry in ClinVar:

NM_001099274.3(TINF2):c.793C>T (p.Arg265Ter)

Gene: TINF2 (TERF1 interacting nuclear factor 2; minus strand). Cytogenetic location: 14q12.
Variant type: single nucleotide variant.
Coding change: c.793C>T on transcript NM_001099274.3 (MANE Select); coding-DNA position 793, C replaced by T.
Protein change: p.Arg265Ter; replaces arginine 265 with a stop codon.
Molecular consequence: nonsense.
Genome position (GRCh38, 1-based): chr14:24,240,687, G>A on the plus strand (C>T on the coding strand, the complement: TINF2 is on the minus strand). VCF-style: chr14-24240687-G-A. GRCh37 (hg19) VCF-style: chr14-24709893-G-A.
Other names: c.688C>T, p.Arg230Ter (NM_001363668.2); c.793C>T, p.Arg265Ter (NM_012461.3); short protein forms R230*, R265*.
Identifiers: ClinVar variation 942655 (VCV000942655.19), dbSNP rs200320654, ClinGen allele CA257880956.

ClinVar aggregate classification (germline): Conflicting classifications of pathogenicity. Review status: criteria provided, conflicting classifications (1 of 4 stars). 6 submissions from 6 submitters: Likely pathogenic (3); Uncertain significance (2). 1 of the submissions does not count toward it. Last evaluated 2025-12-29.

Conditions:
TINF2-related disorder. Also called: TINF2-related condition.
Long telomere syndrome.
Dyskeratosis congenita. Identifiers: Orphanet 1775, MedGen C0265965, MONDO:0015780.

Allele frequency attached by ClinVar (database versions not stated): gnomAD 0.00001; gnomAD exomes 0.00002; TOPMed 0.00002.

Submissions (6):

Center for Genomic Medicine, Rigshospitalet, Copenhagen University Hospital
Classification: Likely pathogenic. Last evaluated: 2025-12-29. Review status: criteria provided, single submitter. Criteria: ACMG Guidelines, 2015. Collection method: clinical testing. Allele origin: germline.

GeneDx
Classification: Uncertain significance. Last evaluated: 2025-04-23. Review status: criteria provided, single submitter. Criteria: GeneDx Variant Classification Process June 2021. Collection method: clinical testing. Allele origin: germline. Affected: yes.
Comment: Nonsense variant predicted to result in protein truncation or nonsense mediated decay in a gene or region of a gene for which loss of function is not an established mechanism of disease; This variant is associated with the following publications: (PMID: 31928178, 33258446, 35874679, 30891747, 37646013, 36656928, 38688277, 39103207, 34308104)

Labcorp Genetics (formerly Invitae), Labcorp
Classification: Uncertain significance for Dyskeratosis congenita. Last evaluated: 2024-07-24. Review status: criteria provided, single submitter. Criteria: Invitae Variant Classification Sherloc (09022015). Collection method: clinical testing. Allele origin: germline.
Comment: This sequence change creates a premature translational stop signal (p.Arg265*) in the TINF2 gene. It is expected to result in an absent or disrupted protein product. However, the current clinical and genetic evidence is not sufficient to establish whether loss-of-function variants in TINF2 cause disease. This variant is present in population databases (rs200320654, gnomAD 0.009%). This variant has not been reported in the literature in individuals affected with TINF2-related conditions. ClinVar contains an entry for this variant (Variation ID: 942655). In summary, the available evidence is currently insufficient to determine the role of this variant in disease. Therefore, it has been classified as a Variant of Uncertain Significance.

PreventionGenetics, part of Exact Sciences
Classification: Likely pathogenic for TINF2-related condition. Last evaluated: 2023-01-27. Review status: criteria provided, single submitter. Criteria: ACMG Guidelines, 2015. Collection method: clinical testing. Allele origin: germline.
Comment: The TINF2 c.793C>T variant is predicted to result in premature protein termination (p.Arg265*). To our knowledge, this variant has not been reported in the literature. This variant is reported in 0.0058% of alleles in individuals of Latino descent in gnomAD. Nonsense variants in TINF2 are expected to be pathogenic. This variant is interpreted as likely pathogenic.

Revvity Omics, Revvity
Classification: Likely pathogenic. Last evaluated: 2022-12-01. Review status: criteria provided, single submitter. Criteria: ACMG Guidelines, 2015. Collection method: clinical testing. Allele origin: germline.

The Telomere Center at Johns Hopkins, Johns Hopkins University School of Medicine
Classification: Pathogenic for Long telomere syndrome. Last evaluated: 2023-04-01. Review status: no assertion criteria provided. Collection method: research. Allele origin: germline. Affected: yes. Not counted in ClinVar's aggregate classification.

Literature cited by the submitters: PubMed 33258446 (cited by Center for Genomic Medicine, Rigshospitalet, Copenhagen University Hospital); PubMed 31928178 (cited by Center for Genomic Medicine, Rigshospitalet, Copenhagen University Hospital); PubMed 39103207 (cited by Center for Genomic Medicine, Rigshospitalet, Copenhagen University Hospital); PubMed 37646013 (cited by Center for Genomic Medicine, Rigshospitalet, Copenhagen University Hospital); PubMed 38688277 (cited by The Telomere Center at Johns Hopkins, Johns Hopkins University School of Medicine).